The following is an entry in ClinVar:

ClinVar aggregate classification (germline): Uncertain significance. Review status: criteria provided, multiple submitters, no conflicts (2 of 4 stars). 2 submissions from 2 submitters: Uncertain significance (2). Last evaluated 2025-10-30.

Allele frequency attached by ClinVar (database versions not stated): gnomAD exomes below 0.00001 and 0.00004; gnomAD 0.00001; TOPMed 0.00002.
gnomAD v4.1: 53 of 1,613,850 alleles (0.0033%); highest among the groups gnomAD compares: Non-Finnish European, 0.0045%; no homozygotes.

Submissions (2):

Ambry Genetics
Classification: Uncertain significance. Last evaluated: 2025-10-30. Review status: criteria provided, single submitter. Criteria: Ambry Variant Classification Scheme 2023. Collection method: clinical testing. Allele origin: germline.

Labcorp Genetics (formerly Invitae), Labcorp
Classification: Uncertain significance. Last evaluated: 2024-02-16. Review status: criteria provided, single submitter. Criteria: Invitae Variant Classification Sherloc (09022015). Collection method: clinical testing. Allele origin: germline.
Comment: This sequence change replaces serine, which is neutral and polar, with arginine, which is basic and polar, at codon 204 of the MOCS3 protein (p.Ser204Arg). This variant is present in population databases (no rsID available, gnomAD 0.0009%). This variant has not been reported in the literature in individuals affected with MOCS3-related conditions. ClinVar contains an entry for this variant (Variation ID: 1514736). An algorithm developed to predict the effect of missense changes on protein structure and function (PolyPhen-2) suggests that this variant is likely to be disruptive. In summary, the available evidence is currently insufficient to determine the role of this variant in disease. Therefore, it has been classified as a Variant of Uncertain Significance.

NM_014484.5(MOCS3):c.612T>G (p.Ser204Arg)

Gene: MOCS3 (molybdenum cofactor synthesis 3; plus strand). Cytogenetic location: 20q13.13.
Variant type: single nucleotide variant.
Coding change: c.612T>G on transcript NM_014484.5 (MANE Select); coding-DNA position 612, T replaced by G.
Protein change: p.Ser204Arg; replaces serine 204 with arginine.
Molecular consequence: missense variant.
Genome position (GRCh38, 1-based): chr20:50,959,454, T>G. VCF-style: chr20-50959454-T-G. GRCh37 (hg19) VCF-style: chr20-49575991-T-G.
Other names: c.612T>G (NM_014484.3); short protein forms S204R.
Identifiers: ClinVar variation 1514736 (VCV001514736.9), dbSNP rs1170774453, ClinGen allele CA408983585.